The following is an entry in ClinVar:

ClinVar aggregate classification (germline): Conflicting classifications of pathogenicity. Review status: criteria provided, conflicting classifications (1 of 4 stars). 4 submissions from 4 submitters: Uncertain significance (2); Likely benign (2). Last evaluated 2026-01-26.

Conditions:
Hereditary cancer-predisposing syndrome. Also called: Tumor predisposition; Hereditary Cancer Syndrome; Hereditary neoplastic syndrome; Neoplastic Syndromes, Hereditary. Identifiers: Orphanet 140162, MedGen C0027672, MeSH D009386, MONDO:0015356.
Retinoblastoma (RB1). Also called: RETINOBLASTOMA, SOMATIC. Identifiers: Orphanet 790, MedGen C0035335, MeSH D012175, MONDO:0008380, OMIM 180200, HP:0009919. Disease mechanism: loss of function. Inheritance: Both sporadic and heritable forms are tested..

Allele frequency attached by ClinVar (database versions not stated): gnomAD 0.00001; TOPMed 0.00001; gnomAD exomes 0.00002 and 0.00003.

Submissions (4):

Labcorp Genetics (formerly Invitae), Labcorp
Classification: Likely benign for Retinoblastoma. Last evaluated: 2026-01-26. Review status: criteria provided, single submitter. Criteria: Invitae Variant Classification Sherloc (09022015). Collection method: clinical testing. Allele origin: germline.

All of Us Research Program, National Institutes of Health
Classification: Uncertain significance for Retinoblastoma. Last evaluated: 2024-07-20. Review status: criteria provided, single submitter. Criteria: ACMG Guidelines, 2015. Collection method: clinical testing. Allele origin: germline. Inheritance: Autosomal dominant inheritance. Observed: 8 variant alleles, 8 heterozygotes.
Comment: This missense variant replaces arginine with tryptophan at codon 262 of the RB1 protein. Computational prediction is inconclusive regarding the impact of this variant on protein structure and function (internally defined REVEL score threshold 0.5 < inconclusive < 0.7, PMID: 27666373). To our knowledge, functional studies have not been reported for this variant. This variant has not been reported in individuals affected with RB1-related disorders in the literature. This variant has been identified in 5/251170 chromosomes in the general population by the Genome Aggregation Database (gnomAD). The available evidence is insufficient to determine the role of this variant in disease conclusively. Therefore, this variant is classified as a Variant of Uncertain Significance.

This study involves interpretation of variants in research participants for the purpose of population health screening. Participant phenotype was not available at the time of variant classification. Additional details can be found in publication PMID: 35346344, PMCID: PMC8962531

Ambry Genetics
Classification: Likely benign for Hereditary cancer-predisposing syndrome. Last evaluated: 2023-01-05. Review status: criteria provided, single submitter. Criteria: Ambry Variant Classification Scheme 2023. Collection method: clinical testing. Allele origin: germline.

Mendelics
Classification: Uncertain significance for Retinoblastoma. Last evaluated: 2018-07-02. Review status: criteria provided, single submitter. Criteria: Mendelics Assertion Criteria 2017. Collection method: clinical testing. Allele origin: unknown.

NM_000321.3(RB1):c.784C>T (p.Arg262Trp)

Gene: RB1 (RB transcriptional corepressor 1; plus strand). Cytogenetic location: 13q14.2.
Variant type: single nucleotide variant.
Coding change: c.784C>T on transcript NM_000321.3 (MANE Select); coding-DNA position 784, C replaced by T.
Protein change: p.Arg262Trp; replaces arginine 262 with tryptophan.
Molecular consequence: missense variant.
Genome position (GRCh38, 1-based): chr13:48,362,880, C>T. VCF-style: chr13-48362880-C-T. GRCh37 (hg19) VCF-style: chr13-48937016-C-T.
Other names: short protein forms R262W.
Identifiers: ClinVar variation 410942 (VCV000410942.18), dbSNP rs556201144, ClinGen allele CA16614007.